The following is an entry in ClinVar:

ClinVar aggregate classification (germline): Uncertain significance (1 of 4 stars; one submission).

Submission:

Labcorp Genetics (formerly Invitae), Labcorp
Classification: Uncertain significance. Last evaluated: 2026-01-19. Review status: criteria provided, single submitter. Criteria: Invitae Variant Classification Sherloc (09022015). Collection method: clinical testing. Allele origin: germline.
Comment: This sequence change replaces arginine, which is basic and polar, with serine, which is neutral and polar, at codon 555 of the HYOU1 protein (p.Arg555Ser). This variant also falls at the last nucleotide of exon 14, which is part of the consensus splice site for this exon. This variant is not present in population databases (gnomAD no frequency). This variant has not been reported in the literature in individuals affected with HYOU1-related conditions. ClinVar contains an entry for this variant (Variation ID: 3611456). An algorithm developed to predict the effect of missense changes on protein structure and function (PolyPhen-2) suggests that this variant is likely to be tolerated. Variants that disrupt the consensus splice site are a relatively common cause of aberrant splicing (PMID: 17576681, 9536098). Algorithms developed to predict the effect of sequence changes on RNA splicing suggest that this variant may disrupt the consensus splice site. In summary, the available evidence is currently insufficient to determine the role of this variant in disease. Therefore, it has been classified as a Variant of Uncertain Significance.

Literature cited by the submitters: PubMed 17576681; PubMed 9536098.

NM_006389.5(HYOU1):c.1665G>T (p.Arg555Ser)

Gene: HYOU1 (hypoxia up-regulated 1; minus strand). Cytogenetic location: 11q23.3.
Variant type: single nucleotide variant.
Coding change: c.1665G>T on transcript NM_006389.5 (MANE Select); coding-DNA position 1665, G replaced by T.
Protein change: p.Arg555Ser; replaces arginine 555 with serine.
Molecular consequence: missense variant.
Genome position (GRCh38, 1-based): chr11:119,051,035, C>A on the plus strand (G>T on the coding strand, the complement: HYOU1 is on the minus strand). VCF-style: chr11-119051035-C-A. GRCh37 (hg19) VCF-style: chr11-118921747-C-A.
Other names: c.1665G>T, p.Arg555Ser (NM_001130991.3, NM_001411041.1); short protein forms R555S.
Identifiers: ClinVar variation 3611456 (VCV003611456.2).
Genomic context (GRCh38, chr11:119,051,035, plus strand): 5'-GGAAATGGCTGGCAGGGCCTGAGCCCCTGCTCTGCACACAGGGTATCCTTTAGCTCTCAC[C>A]CTGTCTAGACTGAGCACGCCACTCTCATCCAGGTTGAAGTGAGCCTTGATGCCCTTGGAC-3'
Protein context (NP_006380.1, residues 545-565): LDESGVLSLD[Arg555Ser]VESVFETLVE